The following is an entry in ClinVar:

ClinVar aggregate classification (germline): Uncertain significance (1 of 4 stars; one submission).

Submission:

CeGaT Center for Human Genetics Tuebingen
Classification: Uncertain significance. Last evaluated: 2023-01-01. Review status: criteria provided, single submitter. Criteria: CeGaT Center For Human Genetics Tuebingen Variant Classification Criteria Version 2. Collection method: clinical testing. Allele origin: germline. Affected: yes. Observed: 1 variant allele.
Comment: LAMA5: PM2

NM_005560.6(LAMA5):c.1621_1623dup (p.Cys541_Gln542insCys)

Gene: LAMA5 (laminin subunit alpha 5; minus strand). Cytogenetic location: 20q13.33.
Variant type: Duplication.
Coding change: c.1621_1623dup on transcript NM_005560.6 (MANE Select); coding-DNA positions 1621 to 1623, 3 bases duplicated (TGC; older notation c.1621_1623dupTGC).
Protein change: p.Cys541_Gln542insCys.
Molecular consequence: inframe insertion.
Genome position (GRCh38, 1-based): chr20:62,338,365-62,338,367, GCA duplicated on the plus strand (TGC on the coding strand, the reverse complement: LAMA5 is on the minus strand); duplicating any 3 consecutive bases within chr20:62,338,365-62,338,368 gives the same sequence; the c. name uses the placement nearest the transcript's 3' end. VCF-style (leftmost placement, unchanged base first): chr20-62338364-G-GGCA. GRCh37 (hg19) VCF-style: chr20-60913420-G-GGCA.
Identifiers: ClinVar variation 2652491 (VCV002652491.24), dbSNP rs746748247, ClinGen allele CA9943806.